The following is an entry in ClinVar:

NM_004329.3(BMPR1A):c.312A>G (p.Glu104=)

Gene: BMPR1A (bone morphogenetic protein receptor type 1A; plus strand). Cytogenetic location: 10q23.2.
Variant type: single nucleotide variant.
Coding change: c.312A>G on transcript NM_004329.3 (MANE Select); coding-DNA position 312, A replaced by G.
Protein change: p.Glu104=; no amino-acid change (glutamic acid 104 retained).
Molecular consequence: synonymous variant.
Genome position (GRCh38, 1-based): chr10:86,892,208, A>G. VCF-style: chr10-86892208-A-G. GRCh37 (hg19) VCF-style: chr10-88651965-A-G.
Identifiers: ClinVar variation 490991 (VCV000490991.16), dbSNP rs1199044872, ClinGen allele CA470305187.

ClinVar aggregate classification (germline): Conflicting classifications of pathogenicity. Review status: criteria provided, conflicting classifications (1 of 4 stars). 5 submissions from 5 submitters: Uncertain significance (1); Benign (1); Likely benign (3). Last evaluated 2025-11-10.

Conditions:
Hereditary cancer-predisposing syndrome. Also called: Tumor predisposition; Neoplastic Syndromes, Hereditary; Hereditary Cancer Syndrome; Hereditary neoplastic syndrome. Identifiers: Orphanet 140162, MedGen C0027672, MeSH D009386, MONDO:0015356.
Juvenile polyposis syndrome (JPS). Identifiers: Orphanet 2929, MedGen C0345893, MONDO:0017380, OMIM 174900.

Allele frequency attached by ClinVar (database versions not stated): gnomAD exomes below 0.00001 and 0.00001.
gnomAD v4.1: 5 of 1,613,652 alleles (0.00031%); highest among the groups gnomAD compares: Non-Finnish European, 0.00042%; no homozygotes.

Submissions (5):

Labcorp Genetics (formerly Invitae), Labcorp
Classification: Likely benign for Juvenile polyposis syndrome. Last evaluated: 2025-11-10. Review status: criteria provided, single submitter. Criteria: Invitae Variant Classification Sherloc (09022015). Collection method: clinical testing. Allele origin: germline.

Myriad Genetics, Inc.
Classification: Benign for Juvenile polyposis syndrome. Last evaluated: 2024-07-31. Review status: criteria provided, single submitter. Criteria: Myriad Autosomal Dominant, Autosomal Recessive and X-Linked Classification Criteria (2023). Collection method: clinical testing. Allele origin: unknown.
Comment: This variant is considered benign. This variant is a silent/synonymous amino acid change and it is not expected to impact splicing.

GeneDx
Classification: Uncertain significance. Last evaluated: 2022-07-13. Review status: criteria provided, single submitter. Criteria: GeneDx Variant Classification Process June 2021. Collection method: clinical testing. Allele origin: germline. Affected: yes.
Comment: Not observed at significant frequency in large population cohorts (gnomAD); In silico analysis supports that this variant does not alter splicing; Has not been previously published as pathogenic or benign to our knowledge

Ambry Genetics
Classification: Likely benign for Hereditary cancer-predisposing syndrome. Last evaluated: 2021-10-03. Review status: criteria provided, single submitter. Criteria: Ambry Variant Classification Scheme 2023. Collection method: clinical testing. Allele origin: germline.

Color Diagnostics, LLC DBA Color Health
Classification: Likely benign for Hereditary cancer-predisposing syndrome. Last evaluated: 2017-10-28. Review status: criteria provided, single submitter. Criteria: ACMG Guidelines, 2015. Collection method: clinical testing. Allele origin: germline.